The following is an entry in ClinVar:

ClinVar aggregate classification (germline): Pathogenic. Review status: criteria provided, single submitter (1 of 4 stars). 2 submissions from 2 submitters: Pathogenic (1). 1 of the submissions does not count toward it. Last evaluated 2022-04-01.

Conditions:
Polycystic lipomembranous osteodysplasia with sclerosing leukoencephalopathy 1 (PLOSL1). Also called: TYROBP-Related Polycystic Lipomembranous Osteodysplasia with Sclerosing Leukoencephalopathy. Identifiers: Orphanet 2770, MedGen C4721893, MONDO:0020749, OMIM 221770.

Allele frequency attached by ClinVar (database versions not stated): gnomAD exomes 0.00001; TOPMed 0.00002.

Submissions (2):

CeGaT Center for Human Genetics Tuebingen
Classification: Pathogenic. Last evaluated: 2022-04-01. Review status: criteria provided, single submitter. Criteria: CeGaT Center For Human Genetics Tuebingen Variant Classification Criteria Version 2. Collection method: clinical testing. Allele origin: germline. Affected: yes. Observed: 2 variant alleles.
Comment: TREM2: PVS1, PM2, PM3

Juha Muilu Group; Institute for Molecular Medicine Finland (FIMM)
Classification: Likely pathogenic for Polycystic lipomembranous osteodysplasia with sclerosing leukoencephalopathy. Review status: no assertion criteria provided. Collection method: not provided. Allele origin: unknown. Not counted in ClinVar's aggregate classification.
Comment: FinDis database variant: This variant was not found or characterized by our laboratory, data were collected from public sources: see reference
ClinVar note: Converted during submission from probable-pathogenic to Likely pathogenic.

NM_018965.4(TREM2):c.313del (p.Ala105fs)

Gene: TREM2 (triggering receptor expressed on myeloid cells 2; minus strand). Cytogenetic location: 6p21.1.
Variant type: Deletion.
Coding change: c.313del on transcript NM_018965.4 (MANE Select); coding-DNA position 313, one base deleted (G; older notation c.313delG).
Protein change: p.Ala105fs; shifts the reading frame from alanine 105.
Molecular consequence: frameshift variant.
Genome position (GRCh38, 1-based): chr6:41,161,341, C deleted on the plus strand (G on the coding strand, the reverse complement: TREM2 is on the minus strand). VCF-style (leftmost placement, unchanged base first): chr6-41161340-GC-G. GRCh37 (hg19) VCF-style: chr6-41129078-GC-G.
Other names: c.313del, p.Ala105fs (NM_001271821.2); short protein forms A105fs.
Identifiers: ClinVar variation 56722 (VCV000056722.35), dbSNP rs386834141, ClinGen allele CA264196.
Genomic context (GRCh38, chr6:41,161,340, plus strand): 5'-AGGACCTTCCTGAGGGTGTCAGCCTCACTGCCATGGAGGCTCTGGCACTGGTAGAGACCC[GC>G]ATCATGGGGTTGTAGATTCCGCAGCGTAATGGTGAGAGTGCCACCCAGGGTATCGTCTGT-3'